The following is an entry in ClinVar:

NM_001127715.4(STXBP5):c.2106G>A (p.Gly702=)

Gene: STXBP5 (syntaxin binding protein 5; plus strand). Cytogenetic location: 6q24.3.
Variant type: single nucleotide variant.
Coding change: c.2106G>A on transcript NM_001127715.4 (MANE Select); coding-DNA position 2106, G replaced by A.
Protein change: p.Gly702=; no amino-acid change (glycine 702 retained).
Molecular consequence: synonymous variant.
Genome position (GRCh38, 1-based): chr6:147,334,182, G>A. VCF-style: chr6-147334182-G-A. GRCh37 (hg19) VCF-style: chr6-147655318-G-A.
Other names: c.2106G>A, p.Gly702= (NM_001394409.1, NM_139244.6).
Identifiers: ClinVar variation 2656982 (VCV002656982.24), dbSNP rs146077860, ClinGen allele CA4039197.

ClinVar aggregate classification (germline): Likely benign (1 of 4 stars; one submission).

Allele frequency attached by ClinVar (database versions not stated): 1000 Genomes Project 30x 0.00031; 1000 Genomes Project 0.00040; ExAC 0.00043; gnomAD exomes 0.00043; TOPMed 0.00056; gnomAD 0.00059; ESP Exome Variant Server 0.00077.
gnomAD v4.1: 709 of 1,612,396 alleles (0.044%); highest among the groups gnomAD compares: Middle Eastern, 0.15%; no homozygotes.

Submission:

CeGaT Center for Human Genetics Tuebingen
Classification: Likely benign. Last evaluated: 2023-02-01. Review status: criteria provided, single submitter. Criteria: CeGaT Center For Human Genetics Tuebingen Variant Classification Criteria Version 2. Collection method: clinical testing. Allele origin: germline. Affected: yes. Observed: 1 variant allele.
Comment: STXBP5: BP4, BP7